The following is an entry in ClinVar:

NM_018023.5(YEATS2):c.1963G>A (p.Val655Ile)

Gene: YEATS2 (YEATS domain containing 2; plus strand). Cytogenetic location: 3q27.1.
Variant type: single nucleotide variant.
Coding change: c.1963G>A on transcript NM_018023.5 (MANE Select); coding-DNA position 1963, G replaced by A.
Protein change: p.Val655Ile; replaces valine 655 with isoleucine.
Molecular consequence: missense variant.
Genome position (GRCh38, 1-based): chr3:183,772,320, G>A. VCF-style: chr3-183772320-G-A. GRCh37 (hg19) VCF-style: chr3-183490108-G-A.
Other names: c.1963G>A, p.Val655Ile (NM_001351369.2, NM_001351371.2); c.1966G>A, p.Val656Ile (NM_001351370.2); short protein forms V655I, V656I.
Identifiers: ClinVar variation 4991187 (VCV004991187.1).

ClinVar aggregate classification (germline): Uncertain significance (1 of 4 stars; one submission).

Conditions:
YEATS2-related disorder. Also called: YEATS2-related condition.

Submission:

PreventionGenetics, part of Exact Sciences
Classification: Uncertain significance for YEATS2-related condition. Last evaluated: 2026-03-09. Review status: criteria provided, single submitter. Criteria: ACMG Guidelines, 2015. Collection method: clinical testing. Allele origin: germline.
Comment: The YEATS2 c.1966G>A variant is predicted to result in the amino acid substitution p.Val656Ile. To our knowledge, this variant has not been reported in the literature or in a large population database (gnomAD), indicating this variant is rare. At this time, the clinical significance of this variant is uncertain due to the absence of conclusive functional and genetic evidence.